The following is an entry in ClinVar:

ClinVar aggregate classification (germline): Likely pathogenic (1 of 4 stars; one submission).

Conditions:
Charcot-Marie-Tooth disease type 2. Also called: Charcot-Marie-Tooth type 2. Identifiers: Orphanet 64746, MedGen C0270914, MONDO:0018993.

Submission:

Labcorp Genetics (formerly Invitae), Labcorp
Classification: Likely pathogenic for Charcot-Marie-Tooth disease type 2. Last evaluated: 2023-06-30. Review status: criteria provided, single submitter. Criteria: Invitae Variant Classification Sherloc (09022015). Collection method: clinical testing. Allele origin: germline.
Comment: Advanced modeling of protein sequence and biophysical properties (such as structural, functional, and spatial information, amino acid conservation, physicochemical variation, residue mobility, and thermodynamic stability) performed at Invitae indicates that this missense variant is expected to disrupt MFN2 protein function. Algorithms developed to predict the effect of sequence changes on RNA splicing suggest that this variant may disrupt the consensus splice site. In summary, the currently available evidence indicates that the variant is pathogenic, but additional data are needed to prove that conclusively. Therefore, this variant has been classified as Likely Pathogenic. This sequence change replaces aspartic acid, which is acidic and polar, with glycine, which is neutral and non-polar, at codon 219 of the MFN2 protein (p.Asp219Gly). This variant is not present in population databases (gnomAD no frequency). This missense change has been observed in individual(s) with Charcot-Marie-Tooth disease (Invitae). It has also been observed to segregate with disease in related individuals. ClinVar contains an entry for this variant (Variation ID: 642939).

NM_014874.4(MFN2):c.656A>G (p.Asp219Gly)

Gene: MFN2 (mitofusin 2; plus strand). Cytogenetic location: 1p36.22.
Variant type: single nucleotide variant.
Coding change: c.656A>G on transcript NM_014874.4 (MANE Select); coding-DNA position 656, A replaced by G.
Protein change: p.Asp219Gly; replaces aspartic acid 219 with glycine.
Molecular consequence: missense variant.
Genome position (GRCh38, 1-based): chr1:11,998,826, A>G. VCF-style: chr1-11998826-A-G. GRCh37 (hg19) VCF-style: chr1-12058883-A-G.
Other names: c.656A>G, p.Asp219Gly (NM_001127660.2); short protein forms D219G.
Identifiers: ClinVar variation 642939 (VCV000642939.8), dbSNP rs1569842483, ClinGen allele CA338438147.